The following is an entry in ClinVar:

NM_007194.4(CHEK2):c.549G>C (p.Leu183Phe)

Gene: CHEK2 (checkpoint kinase 2; minus strand). Cytogenetic location: 22q12.1.
Variant type: single nucleotide variant.
Coding change: c.549G>C on transcript NM_007194.4 (MANE Select); coding-DNA position 549, G replaced by C.
Protein change: p.Leu183Phe; replaces leucine 183 with phenylalanine.
Molecular consequence: missense variant. On other transcripts: 5 prime UTR variant (2), intron variant (1).
Genome position (GRCh38, 1-based): chr22:28,725,020, C>G on the plus strand (G>C on the coding strand, the complement: CHEK2 is on the minus strand). VCF-style: chr22-28725020-C-G. GRCh37 (hg19) VCF-style: chr22-29121008-C-G.
Other names: c.678G>C, p.Leu226Phe (NM_001005735.3, NM_001438294.1); c.-229G>C (NM_001257387.3); c.-115G>C (NM_001437942.1); c.642G>C, p.Leu214Phe (NM_001438293.1, NM_001438295.1); c.549G>C, p.Leu183Phe (NM_145862.3); c.445-97G>C (NM_001349956.3); short protein forms L183F, L226F, L214F.
Identifiers: ClinVar variation 184928 (VCV000184928.77), dbSNP rs745646057, ClinGen allele CA190500.
Genomic context (GRCh38, chr22:28,725,020, plus strand): 5'-TAAGATAATAATATTACCTTTATTTCTGCTTAGTGACAGTGCAATTTCAGAATTGTTATT[C>G]AAAGGACGGCGTTTTCCTTTCCCTACAAGCTCTGTATTTACAAAGGTTCCATTGCCACTG-3'
Protein context (NP_009125.1, residues 173-193): ELVGKGKRRP[Leu183Phe]NNNSEIALSL

ClinVar aggregate classification (germline): Conflicting classifications of pathogenicity. Review status: criteria provided, conflicting classifications (1 of 4 stars). 14 submissions from 14 submitters: Likely pathogenic (4); Uncertain significance (8). 2 of the submissions do not count toward it. Last evaluated 2026-03-10.

Conditions:
CHEK2-related disorder.
Hereditary cancer-predisposing syndrome. Also called: Tumor predisposition; Neoplastic Syndromes, Hereditary; Hereditary Cancer Syndrome; Hereditary neoplastic syndrome. Identifiers: Orphanet 140162, MedGen C0027672, MeSH D009386, MONDO:0015356.
Hereditary breast ovarian cancer syndrome. Also called: Hereditary breast and ovarian cancer; Hereditary breast and ovarian cancer syndrome (HBOC); Breast and ovarian cancer; Hereditary breast and/or ovarian cancer syndrome; BRCA1- and BRCA2-Associated Hereditary Breast and Ovarian Cancer; Hereditary breast and ovarian cancer syndrome. Identifiers: Orphanet 145, MedGen C0677776, MeSH D061325, MONDO:0003582. Disease mechanism: loss of function.
Breast and colorectal cancer, susceptibility to. Also called: HBCC, susceptibility to. Identifiers: MedGen CN068920.
Familial cancer of breast. Also called: hereditary breast carcinoma; BREAST CANCER, FAMILIAL; Hereditary breast cancer. Identifiers: Orphanet 227535, MedGen C0346153, MONDO:0016419, OMIM 114480. Disease mechanism: loss of function.
Malignant tumor of breast. Also called: Malignant breast neoplasm; Cancer breast. Identifiers: MedGen C0006142, MONDO:0007254. Disease mechanism: loss of function.

Allele frequency attached by ClinVar (database versions not stated): ExAC 0.00001; gnomAD exomes 0.00001; TOPMed 0.00001.
gnomAD v4.1: 14 of 1,613,880 alleles (0.00087%); highest among the groups gnomAD compares: Non-Finnish European, 0.0012%; no homozygotes.

Submissions 1 to 8 of 14:

German Consortium for Hereditary Breast and Ovarian Cancer, University Hospital Cologne
Classification: Uncertain significance for Hereditary breast ovarian cancer syndrome. Last evaluated: 2026-03-10. Review status: criteria provided, single submitter. Criteria: ACMG SVI. Collection method: curation. Allele origin: germline.
Comment: This classification follows the ACMG SVI adaptation classification scheme; We chose these criteria: PS3 (strong pathogenic): Delimitsou (2019, PMID: 30851065): damaging Stolarova (2023, PMID: 37449874): CHK2 & KAP1-assay: damaging, PP3 (supporting pathogenic): REVEL: 0.858 (SpliceAI ≤ 0.1)

Labcorp Genetics (formerly Invitae), Labcorp
Classification: Uncertain significance for Familial cancer of breast. Last evaluated: 2026-01-21. Review status: criteria provided, single submitter. Criteria: Invitae Variant Classification Sherloc (09022015). Collection method: clinical testing. Allele origin: germline.
Comment: This sequence change replaces leucine, which is neutral and non-polar, with phenylalanine, which is neutral and non-polar, at codon 183 of the CHEK2 protein (p.Leu183Phe). This variant is present in population databases (rs745646057, gnomAD 0.003%). This missense change has been observed in individual(s) with breast cancer and/or colorectal cancer (PMID: 26845104, 31300551, 32658311, 33919281, 33925588). ClinVar contains an entry for this variant (Variation ID: 184928). An algorithm developed to predict the effect of missense changes on protein structure and function (PolyPhen-2) suggests that this variant is likely to be disruptive. Experimental studies have shown that this missense change affects CHEK2 function (PMID: 30851065, 37449874). In summary, the available evidence is currently insufficient to determine the role of this variant in disease. Therefore, it has been classified as a Variant of Uncertain Significance.

PreventionGenetics, part of Exact Sciences
Classification: Uncertain significance for CHEK2-related condition. Last evaluated: 2025-12-05. Review status: criteria provided, single submitter. Criteria: ACMG Guidelines, 2015. Collection method: clinical testing. Allele origin: germline.
Comment: The CHEK2 c.549G>C variant is predicted to result in the amino acid substitution p.Leu183Phe. This variant has been reported in individuals with breast cancer and individuals with colorectal cancer (Shirts et al. 2016. PubMed ID: 26845104; Fostira et al. 2020. PubMed ID: 31300551; Akcay et al. 2020. PubMed ID: 32658311; Delimitsou et al. 2019. PubMed ID: 30851065; Toss et al. 2021. PubMed ID: 33919281; Apostolou et al. 2021. PubMed ID: 33925588). It has also been reported in controls from two cohort studies (Akcay et al. 2020. PubMed ID: 32658311; Kars et al. 2021. PubMed ID: 34426522). In vivo experimental studies using a yeast based assay suggest this variant impacts protein function (Table 1, Delimitsou et al. 2019. PubMed ID: 30851065). This variant is reported in 3 of ~251,000 alleles in gnomAD. It has conflicting interpretations of likely pathogenic and uncertain significance in ClinVar (Variation ID: 184928). At this time, the clinical significance of this variant is uncertain due to the absence of conclusive functional and genetic evidence.

Color Diagnostics, LLC DBA Color Health
Classification: Likely pathogenic for Hereditary cancer-predisposing syndrome. Last evaluated: 2025-10-16. Review status: criteria provided, single submitter. Criteria: ACMG Guidelines, 2015. Collection method: clinical testing. Allele origin: germline.
Comment: This missense variant replaces leucine with phenylalanine at codon 183 of the CHEK2 protein. Computational prediction suggests that this variant may have deleterious impact on protein structure and function. This variant has been shown to be damaging to CHEK2 function in a RAD53 complementation DNA damage response assay (PMID: 30851065), a RAD53 complementation growth assay (PMID: 39146382), and was found defective in both KAP1 kinase and CHK2 auto-phosphorylation assays (PMID: 37449874). This variant has been reported in over 20 individuals affected with breast cancer (PMID: 32658311, 32885271, 33919281, 33925588, 35585550, 38308423Color internal data), including a large case-control analysis identifying the variant in 4/60466 cases and 0/53461 unaffected controls (PMID: 35585550). This variant has also been observed in unaffected individuals (PMID: 26845104, 32658311, 38308423). Haplotype analysis in a study of Greek breast cancer patients observed that affected, but not unaffected, individuals with this variant shared the same haplotype (PMID:33925588). This variant has been identified in 14/1461826 chromosomes in the general population by the Genome Aggregation Database (gnomAD). Based on the available evidence, this variant is classified as Likely Pathogenic.

GeneDx
Classification: Uncertain significance. Last evaluated: 2025-07-03. Review status: criteria provided, single submitter. Criteria: GeneDx Variant Classification Process June 2021. Collection method: clinical testing. Allele origin: germline. Affected: yes.
Comment: Identified in patients with a personal history of breast or other cancers (PMID: 30851065, 33471991, 31300551, 33919281, 32658311, 33925588, 35734982, 32885271, 38308423, 37449874); Not observed at significant frequency in large population cohorts (gnomAD); In silico analysis supports that this missense variant has a deleterious effect on protein structure/function; Also known as c.678G>C p.Leu226Phe; This variant is associated with the following publications: (PMID: 34426522, 33471991, 33919281, 30851065, 26845104, 31300551, 32658311, 32885271, 35734982, 33925588, 37449874, 38308423, 22419737, 19782031, 39594831)

Ambry Genetics
Classification: Uncertain significance for Hereditary cancer-predisposing syndrome. Last evaluated: 2025-04-28. Review status: criteria provided, single submitter. Criteria: Ambry Variant Classification Scheme 2023. Collection method: clinical testing. Allele origin: germline.
Comment: The p.L183F variant (also known as c.549G>C), located in coding exon 3 of the CHEK2 gene, results from a G to C substitution at nucleotide position 549. The leucine at codon 183 is replaced by phenylalanine, an amino acid with highly similar properties. This alteration has been detected in four, apparently non-related, Greek breast cancer families (Fostira F et al. J Med Genet. 2020 01;57:53-61). This variant was also observed in 1/3251 individuals who met eligibility criteria for hereditary breast and ovarian cancer syndrome (Lerner-Ellis J et al. J Cancer Res Clin Oncol, 2021 Mar;147:871-879), and was detected in 1/1185 Italian patients with a personal and/or family history breast, ovarian or prostate cancer (Toss A et al. Genes (Basel), 2021 Apr;12). This alteration was seen in 6/732 breast cancer patients, 2/189 colorectal cancer patients and 1/490 cancer-free elderly controls in a Turkish population (Akcay IM et al. Int J Cancer, 2021 Jan;148:285-295). This alteration has also been detected in two patients with colorectal cancer and classified as a variant of uncertain significance by the authors (Shirts BH et al. Genet Med. 2016 10;18:974-81). This alteration behaved as non-functional in an in vivo, yeast-based growth rate assay (Delimitsou A et al. Hum Mutat. 2019 05;40:631-648). This amino acid position is highly conserved in available vertebrate species. In addition, this alteration is predicted to be deleterious by in silico analysis. Since supporting evidence is limited at this time, the clinical significance of this alteration remains unclear.

Baylor Genetics
Classification: Uncertain significance for Familial cancer of breast. Last evaluated: 2024-03-27. Review status: criteria provided, single submitter. Criteria: ACMG Guidelines, 2015. Collection method: clinical testing. Allele origin: unknown.

Myriad Genetics, Inc.
Classification: Uncertain significance for Familial cancer of breast. Last evaluated: 2023-03-08. Review status: criteria provided, single submitter. Criteria: Myriad Autosomal Dominant, Autosomal Recessive and X-Linked Classification Criteria (2023). Collection method: clinical testing. Allele origin: unknown.
Comment: This variant is classified as a variant of uncertain significance as there is insufficient evidence to determine its impact on protein function and/or cancer risk.